The following is an entry in ClinVar:

ClinVar aggregate classification (germline): Uncertain significance (1 of 4 stars; one submission).

Conditions:
Hereditary cancer-predisposing syndrome. Also called: Hereditary neoplastic syndrome; Neoplastic Syndromes, Hereditary; Tumor predisposition; Hereditary Cancer Syndrome. Identifiers: Orphanet 140162, MedGen C0027672, MeSH D009386, MONDO:0015356.

Submission:

Ambry Genetics
Classification: Uncertain significance for Hereditary cancer-predisposing syndrome. Last evaluated: 2022-08-15. Review status: criteria provided, single submitter. Criteria: Ambry General Variant Classification Scheme_2022. Collection method: clinical testing. Allele origin: germline. Observed: 1 variant allele.
Comment: The c.4080delG variant, located in coding exon 21 of the BLM gene, results from a deletion of one nucleotide at nucleotide position 4080, causing a translational frameshift with a predicted alternate stop codon (p.S1361Lfs*45). This alteration occurs at the 3' terminus of theBLM gene, is not expected to trigger nonsense-mediated mRNAdecay, and only impacts the last 57 amino acids of the protein. The exact functional effect of this alteration is unknown. Since supporting evidence is limited at this time, the clinical significance of this alteration remains unclear.

NM_000057.2(BLM):c.4080delG

Gene: BLM (BLM RecQ like helicase; plus strand). Cytogenetic location: 15q26.1.
Variant type: Deletion.
Coding change: c.4080delG on transcript NM_000057.2; coding-DNA position 4080, one base deleted (G).
Genome position (GRCh38, 1-based): chr15:90,815,105, G deleted; the last of 5 consecutive G bases (chr15:90,815,101-90,815,105); deleting any one gives the same sequence. VCF-style (leftmost placement, unchanged base first): chr15-90815100-AG-A. GRCh37 (hg19) VCF-style: chr15-91358330-AG-A.
Identifiers: ClinVar variation 1737632 (VCV001737632.1), dbSNP rs2151202230, ClinGen allele CA2580090304.
Genomic context (GRCh38, chr15:90,815,100, plus strand): 5'-AGGAAGGTCATTCATTTTTGGTTTCATTTAACATTTTGATTTTTTTCTTTGTCACATTTC[AG>A]GGGGTCTGCCACATGTAGAAAGATATCTTCCAAAACGAAATCCTCCAGCATCATTGGATC-3'